The following is an entry in ClinVar:

NM_001330700.2(TOP2B):c.362A>T (p.Lys121Met)

Gene: TOP2B (DNA topoisomerase II beta; minus strand). Cytogenetic location: 3p24.2.
Variant type: single nucleotide variant.
Coding change: c.362A>T on transcript NM_001330700.2 (MANE Select); coding-DNA position 362, A replaced by T.
Protein change: p.Lys121Met; replaces lysine 121 with methionine.
Molecular consequence: missense variant.
Genome position (GRCh38, 1-based): chr3:25,642,355, T>A on the plus strand (A>T on the coding strand, the complement: TOP2B is on the minus strand). VCF-style: chr3-25642355-T-A. GRCh37 (hg19) VCF-style: chr3-25683846-T-A.
Other names: c.347A>T, p.Lys116Met (NM_001068.3); c.347A>T (NM_001068.2); short protein forms K116M, K121M.
Identifiers: ClinVar variation 1041199 (VCV001041199.6), dbSNP rs372592161, ClinGen allele CA2288918.
Genomic context (GRCh38, chr3:25,642,355, plus strand): 5'-AAAAAATTAAACTTTAAATATACTTACGGATCAATAGAAACTTTAATACAAGTCATGTTC[T>A]TATCCCTCTGTTTATTGTCAGCAGCATTAACTACAAAATTAAACACCTCAATGAGTAATA-3'
Protein context (NP_001317629.1, residues 111-131): VNAADNKQRD[Lys121Met]NMTCIKVSID

ClinVar aggregate classification (germline): Uncertain significance. Review status: criteria provided, multiple submitters, no conflicts (2 of 4 stars). 2 submissions from 2 submitters: Uncertain significance (2). Last evaluated 2025-10-13.

Allele frequency attached by ClinVar (database versions not stated): gnomAD exomes 0.00004; gnomAD 0.00006; TOPMed 0.00006; ExAC 0.00009; ESP Exome Variant Server 0.00009.
gnomAD v4.1: 65 of 1,549,214 alleles (0.0042%); highest among the groups gnomAD compares: Non-Finnish European, 0.0055%; no homozygotes.

Submissions (2):

Labcorp Genetics (formerly Invitae), Labcorp
Classification: Uncertain significance. Last evaluated: 2025-10-13. Review status: criteria provided, single submitter. Criteria: Invitae Variant Classification Sherloc (09022015). Collection method: clinical testing. Allele origin: germline.
Comment: This sequence change replaces lysine, which is basic and polar, with methionine, which is neutral and non-polar, at codon 116 of the TOP2B protein (p.Lys116Met). This variant is present in population databases (rs372592161, gnomAD 0.01%). This variant has not been reported in the literature in individuals affected with TOP2B-related conditions. ClinVar contains an entry for this variant (Variation ID: 1041199). An algorithm developed to predict the effect of missense changes on protein structure and function (PolyPhen-2) suggests that this variant is likely to be disruptive. In summary, the available evidence is currently insufficient to determine the role of this variant in disease. Therefore, it has been classified as a Variant of Uncertain Significance.

Ambry Genetics
Classification: Uncertain significance. Last evaluated: 2025-02-11. Review status: criteria provided, single submitter. Criteria: Ambry Variant Classification Scheme 2023. Collection method: clinical testing. Allele origin: germline.